The following is an entry in ClinVar:

ClinVar aggregate classification (germline): Uncertain significance (1 of 4 stars; one submission).

gnomAD v4.1: 2 of 1,204,522 alleles (0.00017%); highest among the groups gnomAD compares: Non-Finnish European, 0.00022%; no homozygotes.

Submission:

Ambry Genetics
Classification: Uncertain significance. Last evaluated: 2026-04-23. Review status: criteria provided, single submitter. Criteria: Ambry Variant Classification Scheme 2023. Collection method: clinical testing. Allele origin: germline.
Comment: The c.7C>T (p.R3C) alteration is located in exon 2 (coding exon 2) of the RPS4X gene. This alteration results from a C to T substitution at nucleotide position 7, causing the arginine (R) at amino acid position 3 to be replaced by a cysteine (C). Based on data from gnomAD, the T allele has an overall frequency of 0.001% (1/180862) total alleles studied. The highest observed frequency was 0.001% (1/81080) of European (non-Finnish) alleles. Based on insufficient or conflicting evidence, the clinical significance of this alteration remains unclear.

NM_001007.5(RPS4X):c.7C>T (p.Arg3Cys)

Gene: RPS4X (ribosomal protein S4 X-linked; minus strand). Cytogenetic location: Xq13.1.
Variant type: single nucleotide variant.
Coding change: c.7C>T on transcript NM_001007.5 (MANE Select); coding-DNA position 7, C replaced by T.
Protein change: p.Arg3Cys; replaces arginine 3 with cysteine.
Molecular consequence: missense variant.
Genome position (GRCh38, 1-based): chrX:72,276,231, G>A on the plus strand (C>T on the coding strand, the complement: RPS4X is on the minus strand). VCF-style: chrX-72276231-G-A. GRCh37 (hg19) VCF-style: chrX-71496081-G-A.
Other names: short protein forms R3C.
Identifiers: ClinVar variation 2211985 (VCV002211985.3), dbSNP rs1179468202, ClinGen allele CA413581417.